The following is an entry in ClinVar:

NM_000836.4(GRIN2D):c.965C>T (p.Ala322Val)

Gene: GRIN2D (glutamate ionotropic receptor NMDA type subunit 2D; plus strand). Cytogenetic location: 19q13.33.
Variant type: single nucleotide variant.
Coding change: c.965C>T on transcript NM_000836.4 (MANE Select); coding-DNA position 965, C replaced by T.
Protein change: p.Ala322Val; replaces alanine 322 with valine.
Molecular consequence: missense variant.
Genome position (GRCh38, 1-based): chr19:48,405,233, C>T. VCF-style: chr19-48405233-C-T. GRCh37 (hg19) VCF-style: chr19-48908490-C-T.
Other names: short protein forms A322V.
Identifiers: ClinVar variation 1444250 (VCV001444250.9), dbSNP rs754080162, ClinGen allele CA406693014.

ClinVar aggregate classification (germline): Uncertain significance (1 of 4 stars; one submission).

Allele frequency attached by ClinVar (database versions not stated): gnomAD exomes below 0.00001.
gnomAD v4.1: 2 of 1,596,538 alleles (0.00013%); highest among the groups gnomAD compares: Middle Eastern, 0.018%; no homozygotes.

Submission:

Labcorp Genetics (formerly Invitae), Labcorp
Classification: Uncertain significance. Last evaluated: 2024-04-03. Review status: criteria provided, single submitter. Criteria: Invitae Variant Classification Sherloc (09022015). Collection method: clinical testing. Allele origin: germline.
Comment: This sequence change replaces alanine, which is neutral and non-polar, with valine, which is neutral and non-polar, at codon 322 of the GRIN2D protein (p.Ala322Val). This variant is not present in population databases (gnomAD no frequency). This variant has not been reported in the literature in individuals affected with GRIN2D-related conditions. ClinVar contains an entry for this variant (Variation ID: 1444250). Advanced modeling of protein sequence and biophysical properties (such as structural, functional, and spatial information, amino acid conservation, physicochemical variation, residue mobility, and thermodynamic stability) performed at Invitae indicates that this missense variant is not expected to disrupt GRIN2D protein function with a negative predictive value of 80%. In summary, the available evidence is currently insufficient to determine the role of this variant in disease. Therefore, it has been classified as a Variant of Uncertain Significance.